The following is an entry in ClinVar:

NM_005477.3(HCN4):c.1571G>A (p.Arg524Gln)

Gene: HCN4 (hyperpolarization activated cyclic nucleotide gated potassium channel 4; minus strand). Cytogenetic location: 15q24.1.
Variant type: single nucleotide variant.
Coding change: c.1571G>A on transcript NM_005477.3 (MANE Select); coding-DNA position 1571, G replaced by A.
Protein change: p.Arg524Gln; replaces arginine 524 with glutamine.
Molecular consequence: missense variant.
Genome position (GRCh38, 1-based): chr15:73,329,592, C>T on the plus strand (G>A on the coding strand, the complement: HCN4 is on the minus strand). VCF-style: chr15-73329592-C-T. GRCh37 (hg19) VCF-style: chr15-73621933-C-T.
Other names: short protein forms R524Q.
Identifiers: ClinVar variation 941237 (VCV000941237.9), dbSNP rs199852438, ClinGen allele CA7649279.

ClinVar aggregate classification (germline): Uncertain significance (1 of 4 stars; one submission).

Conditions:
Brugada syndrome 8 (BRGDA8). Identifiers: Orphanet 130, MedGen C2751083, MONDO:0013148, OMIM 613123.

Allele frequency attached by ClinVar (database versions not stated): TOPMed below 0.00001; gnomAD 0.00001; gnomAD exomes 0.00001 and 0.00002; ExAC 0.00002; 1000 Genomes Project 30x 0.00016; 1000 Genomes Project 0.00020.

Submission:

Labcorp Genetics (formerly Invitae), Labcorp
Classification: Uncertain significance for Brugada syndrome 8. Last evaluated: 2022-07-18. Review status: criteria provided, single submitter. Criteria: Invitae Variant Classification Sherloc (09022015). Collection method: clinical testing. Allele origin: germline.
Comment: ClinVar contains an entry for this variant (Variation ID: 941237). In summary, the available evidence is currently insufficient to determine the role of this variant in disease. Therefore, it has been classified as a Variant of Uncertain Significance. Algorithms developed to predict the effect of sequence changes on RNA splicing suggest that this variant may create or strengthen a splice site. Experimental studies have shown that this missense change affects HCN4 function (PMID: 28182231). Advanced modeling of protein sequence and biophysical properties (such as structural, functional, and spatial information, amino acid conservation, physicochemical variation, residue mobility, and thermodynamic stability) performed at Invitae indicates that this missense variant is expected to disrupt HCN4 protein function. This missense change has been observed in individual(s) with inappropriate sinus tachycardia (PMID: 28182231). This variant is present in population databases (rs199852438, gnomAD 0.01%). This sequence change replaces arginine, which is basic and polar, with glutamine, which is neutral and polar, at codon 524 of the HCN4 protein (p.Arg524Gln).

Literature cited by the submitters: PubMed 28182231.